The following is an entry in ClinVar:

ClinVar aggregate classification (germline): Conflicting classifications of pathogenicity. Review status: criteria provided, conflicting classifications (1 of 4 stars). 5 submissions from 5 submitters: Uncertain significance (4); Likely benign (1). Last evaluated 2023-12-05.

Conditions:
Hereditary breast ovarian cancer syndrome. Also called: Hereditary breast and ovarian cancer; Hereditary breast and ovarian cancer syndrome (HBOC); Breast and ovarian cancer; Hereditary breast and ovarian cancer syndrome; BRCA1- and BRCA2-Associated Hereditary Breast and Ovarian Cancer; Hereditary breast and/or ovarian cancer syndrome. Identifiers: Orphanet 145, MedGen C0677776, MeSH D061325, MONDO:0003582. Disease mechanism: loss of function.
Hereditary cancer-predisposing syndrome. Also called: Tumor predisposition; Neoplastic Syndromes, Hereditary; Hereditary neoplastic syndrome; Hereditary Cancer Syndrome. Identifiers: Orphanet 140162, MedGen C0027672, MeSH D009386, MONDO:0015356.

Submissions (5):

Color Diagnostics, LLC DBA Color Health
Classification: Uncertain significance for Hereditary cancer-predisposing syndrome. Last evaluated: 2023-12-05. Review status: criteria provided, single submitter. Criteria: ACMG Guidelines, 2015. Collection method: clinical testing. Allele origin: germline.
Comment: This missense variant replaces phenylalanine with leucine at codon 274 of the BRCA2 protein. Computational prediction suggests that this variant may not impact protein structure and function (internally defined REVEL score threshold <= 0.5, PMID: 27666373). To our knowledge, functional studies have not been reported for this variant. This variant has not been reported in individuals affected with BRCA2-related disorders in the literature. This variant has not been identified in the general population by the Genome Aggregation Database (gnomAD). The available evidence is insufficient to determine the role of this variant in disease conclusively. Therefore, this variant is classified as a Variant of Uncertain Significance.

Ambry Genetics
Classification: Uncertain significance for Hereditary cancer-predisposing syndrome. Last evaluated: 2023-09-01. Review status: criteria provided, single submitter. Criteria: Ambry Variant Classification Scheme 2023. Collection method: clinical testing. Allele origin: germline.
Comment: The p.F274L variant (also known as c.822T>A), located in coding exon 9 of the BRCA2 gene, results from a T to A substitution at nucleotide position 822. The phenylalanine at codon 274 is replaced by leucine, an amino acid with highly similar properties. This amino acid position is not well conserved in available vertebrate species. In addition, this alteration is predicted to be tolerated by in silico analysis. Since supporting evidence is limited at this time, the clinical significance of this alteration remains unclear.

University of Washington Department of Laboratory Medicine, University of Washington
Classification: Likely benign for Hereditary cancer-predisposing syndrome. Last evaluated: 2023-03-23. Review status: criteria provided, single submitter. Criteria: Dines et al. (Genet Med. 2020). Collection method: curation. Allele origin: germline.
Comment: Missense variant in a coldspot region where missense variants are very unlikely to be pathogenic (PMID:31911673).

BRCA2 exon 10 coldspot. Reclassification based on statistical prior probability.

GeneDx
Classification: Uncertain significance. Last evaluated: 2022-09-30. Review status: criteria provided, single submitter. Criteria: GeneDx Variant Classification Process June 2021. Collection method: clinical testing. Allele origin: germline. Affected: yes.
Comment: Not observed at significant frequency in large population cohorts (gnomAD); In silico analysis supports that this missense variant does not alter protein structure/function; Has not been previously published as pathogenic or benign to our knowledge; Also known as 1050T>A

Labcorp Genetics (formerly Invitae), Labcorp
Classification: Uncertain significance for Hereditary breast ovarian cancer syndrome. Last evaluated: 2021-01-08. Review status: criteria provided, single submitter. Criteria: Invitae Variant Classification Sherloc (09022015). Collection method: clinical testing. Allele origin: germline.
Comment: This variant has not been reported in the literature in individuals with BRCA2-related conditions. ClinVar contains an entry for this variant (Variation ID: 630439). Advanced modeling of protein sequence and biophysical properties (such as structural, functional, and spatial information, amino acid conservation, physicochemical variation, residue mobility, and thermodynamic stability) performed at Invitae indicates that this missense variant is not expected to disrupt BRCA2 protein function. In summary, the available evidence is currently insufficient to determine the role of this variant in disease. Therefore, it has been classified as a Variant of Uncertain Significance. This sequence change replaces phenylalanine with leucine at codon 274 of the BRCA2 protein (p.Phe274Leu). The phenylalanine residue is moderately conserved and there is a small physicochemical difference between phenylalanine and leucine. This variant is not present in population databases (ExAC no frequency).

NM_000059.4(BRCA2):c.822T>A (p.Phe274Leu)

Gene: BRCA2 (BRCA2 DNA repair associated; plus strand). Cytogenetic location: 13q13.1.
Variant type: single nucleotide variant.
Coding change: c.822T>A on transcript NM_000059.4 (MANE Select); coding-DNA position 822, T replaced by A.
Protein change: p.Phe274Leu; replaces phenylalanine 274 with leucine.
Molecular consequence: missense variant.
Genome position (GRCh38, 1-based): chr13:32,332,300, T>A. VCF-style: chr13-32332300-T-A. GRCh37 (hg19) VCF-style: chr13-32906437-T-A.
Other names: short protein forms F274L.
Identifiers: ClinVar variation 630439 (VCV000630439.19), dbSNP rs1566222119, ClinGen allele CA387760429.